The following is an entry in ClinVar:

NM_000135.4(FANCA):c.3845C>G (p.Pro1282Arg)

Genes: ZNF276 (zinc finger protein 276; plus strand), FANCA (FA complementation group A; minus strand). Cytogenetic location: 16q24.3.
Variant type: single nucleotide variant.
Coding change: c.3845C>G on transcript NM_000135.4 (MANE Select); coding-DNA position 3845, C replaced by G.
Protein change: p.Pro1282Arg; replaces proline 1282 with arginine.
Molecular consequence: missense variant. On other transcripts: 3 prime UTR variant (2), non-coding transcript variant (4).
Genome position (GRCh38, 1-based): chr16:89,740,083, G>C on the plus strand (C>G on the coding strand, the complement: FANCA is on the minus strand). VCF-style: chr16-89740083-G-C. GRCh37 (hg19) VCF-style: chr16-89806491-G-C.
Other names: c.3845C>G, p.Pro1282Arg (NM_001286167.3); c.*1837G>C (NM_001113525.2, NM_152287.4); short protein forms P1282R.
Identifiers: ClinVar variation 3581451 (VCV003581451.2).
Genomic context (GRCh38, chr16:89,740,083, plus strand): 5'-CAGGATATCTTCCTCTTCTCTAAACACTCGAGGATTGCTGCACAAACGTGGAAAGCCTTT[G>C]GCAGGTCTGTGGTGCTCTGTAAACCGCAGGAGACCAACCCTGAGAATGGCCGACCTGGTG-3'
Protein context (NP_000126.2, residues 1272-1292): HLTSNSTTDL[Pro1282Arg]KAFHVCAAIL

ClinVar aggregate classification (germline): Uncertain significance. Review status: criteria provided, multiple submitters, no conflicts (2 of 4 stars). 2 submissions from 2 submitters: Uncertain significance (2). Last evaluated 2025-10-30.

Conditions:
Inborn genetic diseases. Identifiers: MedGen C0950123, MeSH D030342.
Fanconi anemia complementation group A (FANCA). Also called: FANCA-Related Fanconi Anemia; Fanconi anemia, group A. Identifiers: Orphanet 84, MedGen C3469521, MONDO:0009215, OMIM 227650.

gnomAD v4.1: 1 of 1,614,176 alleles (0.000062%); highest among the groups gnomAD compares: Non-Finnish European, 0.000085%; no homozygotes.

Submissions (2):

Ambry Genetics
Classification: Uncertain significance for Inborn genetic diseases. Last evaluated: 2025-10-30. Review status: criteria provided, single submitter. Criteria: Ambry Variant Classification Scheme 2023. Collection method: clinical testing. Allele origin: germline.
Comment: The p.P1282R variant (also known as c.3845C>G), located in coding exon 39 of the FANCA gene, results from a C to G substitution at nucleotide position 3845. The proline at codon 1282 is replaced by arginine, an amino acid with dissimilar properties. This amino acid position is conserved. In addition, this alteration is predicted to be tolerated by in silico analysis. Based on the available evidence, the clinical significance of this variant remains unclear.

Fulgent Genetics
Classification: Uncertain significance for Fanconi anemia complementation group A. Last evaluated: 2024-05-14. Review status: criteria provided, single submitter. Criteria: ACMG Guidelines, 2015. Collection method: clinical testing. Allele origin: germline.